The following is an entry in ClinVar:

ClinVar aggregate classification (germline): Benign/Likely benign. Review status: criteria provided, multiple submitters, no conflicts (2 of 4 stars). 8 submissions from 8 submitters: Benign (5); Likely benign (3). Last evaluated 2026-08-01.

Conditions:
Inborn genetic diseases. Identifiers: MedGen C0950123, MeSH D030342.
Developmental and epileptic encephalopathy, 54. Also called: Epileptic encephalopathy, early infantile, 54; HNRNPU-Related Neurodevelopmental Disorder. Identifiers: MedGen C4479319, MONDO:0033363, OMIM 617391.

Allele frequency attached by ClinVar (database versions not stated): 1000 Genomes Project 0.00100; 1000 Genomes Project 30x 0.00125; gnomAD 0.00161 and 0.00164; TOPMed 0.00170; ExAC 0.00191; gnomAD exomes 0.00203 and 0.00238; ESP Exome Variant Server 0.00238.
gnomAD v4.1: 3,660 of 1,571,030 alleles (0.23%); highest among the groups gnomAD compares: Middle Eastern, 0.6%; 7 homozygotes.

Submissions (8):

CeGaT Center for Human Genetics Tuebingen
Classification: Benign. Last evaluated: 2026-08-01. Review status: criteria provided, single submitter. Criteria: CeGaT Center For Human Genetics Tuebingen Variant Classification Criteria Version 2. Collection method: clinical testing. Allele origin: germline. Affected: yes. Observed: 22 variant alleles.
Comment: HNRNPU: BS1, BS2

Labcorp Genetics (formerly Invitae), Labcorp
Classification: Benign for Developmental and epileptic encephalopathy, 54. Last evaluated: 2026-02-03. Review status: criteria provided, single submitter. Criteria: Invitae Variant Classification Sherloc (09022015). Collection method: clinical testing. Allele origin: germline.

Mayo Clinic Laboratories, Mayo Clinic
Classification: Benign. Last evaluated: 2025-07-10. Review status: criteria provided, single submitter. Criteria: ACMG Guidelines, 2015. Collection method: clinical testing. Allele origin: germline. Observed: 1 variant allele.
Comment: BA1

Blueprint Genetics
Classification: Likely benign. Last evaluated: 2024-11-06. Review status: criteria provided, single submitter. Criteria: ACMG Guidelines, 2015. Collection method: clinical testing. Allele origin: germline.

GeneDx
Classification: Benign. Last evaluated: 2018-11-27. Review status: criteria provided, single submitter. Criteria: GeneDx Variant Classification Process June 2021. Collection method: clinical testing. Allele origin: germline. Affected: yes.

Athena Diagnostics
Classification: Benign. Last evaluated: 2018-03-05. Review status: criteria provided, single submitter. Criteria: Athena Diagnostics Criteria. Collection method: clinical testing. Allele origin: germline.

Ambry Genetics
Classification: Likely benign for Inborn genetic diseases. Last evaluated: 2016-03-16. Review status: criteria provided, single submitter. Criteria: Ambry Variant Classification Scheme 2023. Collection method: clinical testing. Allele origin: germline.

Breakthrough Genomics
Classification: Likely benign. Review status: criteria provided, single submitter. Criteria: ACMG Guidelines, 2015. Collection method: not provided. Allele origin: germline. Inheritance: Autosomal dominant inheritance. Affected: yes.

NM_031844.3(HNRNPU):c.1215G>A (p.Val405=)

Gene: HNRNPU (heterogeneous nuclear ribonucleoprotein U; minus strand). Cytogenetic location: 1q44.
Variant type: single nucleotide variant.
Coding change: c.1215G>A on transcript NM_031844.3 (MANE Select); coding-DNA position 1215, G replaced by A.
Protein change: p.Val405=; no amino-acid change (valine 405 retained).
Molecular consequence: synonymous variant.
Genome position (GRCh38, 1-based): chr1:244,858,744, C>T on the plus strand (G>A on the coding strand, the complement: HNRNPU is on the minus strand). VCF-style: chr1-244858744-C-T. GRCh37 (hg19) VCF-style: chr1-245022046-C-T.
Other names: p.Val405=; c.1158G>A, p.Val386= (NM_004501.3).
Identifiers: ClinVar variation 414103 (VCV000414103.50), dbSNP rs147232928, ClinGen allele CA1486539.